The following is an entry in ClinVar:

ClinVar aggregate classification (germline): Uncertain significance (1 of 4 stars; one submission).

Conditions:
Immunodeficiency 14 (IMD14A). Also called: ACTIVATED PI3K-DELTA SYNDROME 1; p110-DELTA-ACTIVATING MUTATION CAUSING SENESCENT T CELLS, LYMPHADENOPATHY, AND IMMUNODEFICIENCY; Activated PI3K Delta Syndrome Type 1 (APDS1); IMMUNODEFICIENCY 14A WITH LYMPHOPROLIFERATION, AUTOSOMAL DOMINANT. Identifiers: Orphanet 397596, Orphanet 693661, MedGen C5907821, MONDO:0014222, OMIM 615513.

Allele frequency attached by ClinVar (database versions not stated): gnomAD 0.00001; TOPMed 0.00003.
gnomAD v4.1: 2 of 1,613,628 alleles (0.00012%); highest among the groups gnomAD compares: African/African-American, 0.0013%; no homozygotes.

Submission:

Labcorp Genetics (formerly Invitae), Labcorp
Classification: Uncertain significance for Activated PI3K-delta syndrome. Last evaluated: 2025-10-15. Review status: criteria provided, single submitter. Criteria: Invitae Variant Classification Sherloc (09022015). Collection method: clinical testing. Allele origin: germline.
Comment: This sequence change replaces isoleucine, which is neutral and non-polar, with valine, which is neutral and non-polar, at codon 262 of the PIK3CD protein (p.Ile262Val). This variant is not present in population databases (gnomAD no frequency). This variant has not been reported in the literature in individuals affected with PIK3CD-related conditions. ClinVar contains an entry for this variant (Variation ID: 3010261). Invitae Evidence Modeling of protein sequence and biophysical properties (such as structural, functional, and spatial information, amino acid conservation, physicochemical variation, residue mobility, and thermodynamic stability) indicates that this missense variant is not expected to disrupt PIK3CD protein function with a negative predictive value of 80%. In summary, the available evidence is currently insufficient to determine the role of this variant in disease. Therefore, it has been classified as a Variant of Uncertain Significance.

NM_005026.5(PIK3CD):c.784A>G (p.Ile262Val)

Gene: PIK3CD (phosphatidylinositol-4,5-bisphosphate 3-kinase catalytic subunit delta; plus strand). Cytogenetic location: 1p36.22.
Variant type: single nucleotide variant.
Coding change: c.784A>G on transcript NM_005026.5 (MANE Select); coding-DNA position 784, A replaced by G.
Protein change: p.Ile262Val; replaces isoleucine 262 with valine.
Molecular consequence: missense variant. On other transcripts: intron variant (1).
Genome position (GRCh38, 1-based): chr1:9,716,962, A>G. VCF-style: chr1-9716962-A-G. GRCh37 (hg19) VCF-style: chr1-9777020-A-G.
Other names: c.784A>G, p.Ile262Val (NM_001350234.2); c.781-84A>G (NM_001350235.1); short protein forms I262V.
Identifiers: ClinVar variation 3010261 (VCV003010261.3), dbSNP rs796730337, ClinGen allele CA17776047.